The following is an entry in ClinVar:

NM_001039141.3(TRIOBP):c.391G>A (p.Gly131Ser)

Gene: TRIOBP (TRIO and F-actin binding protein; plus strand). Cytogenetic location: 22q13.1.
Variant type: single nucleotide variant.
Coding change: c.391G>A on transcript NM_001039141.3 (MANE Select); coding-DNA position 391, G replaced by A.
Protein change: p.Gly131Ser; replaces glycine 131 with serine.
Molecular consequence: missense variant.
Genome position (GRCh38, 1-based): chr22:37,713,346, G>A. VCF-style: chr22-37713346-G-A. GRCh37 (hg19) VCF-style: chr22-38109353-G-A.
Other names: short protein forms G131S.
Identifiers: ClinVar variation 43850 (VCV000043850.47), dbSNP rs144634857, ClinGen allele CA133024.
Genomic context (GRCh38, chr22:37,713,346, plus strand): 5'-GCAGTACCCTATCTGGAGGGCCTGACCACTTCCTTGTGTGGCAGCTGCAACGAGGACCCC[G>A]GCTCTGACCCCACCTCCAGCCCTGACTCCGCCACCCCTGATGATACCAGCAACTCGTCCT-3'
Protein context (NP_001034230.1, residues 121-141): SLCGSCNEDP[Gly131Ser]SDPTSSPDSA

ClinVar aggregate classification (germline): Benign/Likely benign. Review status: criteria provided, multiple submitters, no conflicts (2 of 4 stars). 8 submissions from 8 submitters: Benign (4); Likely benign (4). Last evaluated 2026-01-24.

Allele frequency attached by ClinVar (database versions not stated): 1000 Genomes Project 0.00300; 1000 Genomes Project 30x 0.00312; gnomAD 0.00423 and 0.00455; ExAC 0.00467; ESP Exome Variant Server 0.00493; TOPMed 0.00499; gnomAD exomes 0.00502 and 0.00512.
gnomAD v4.1: 8,237 of 1,613,934 alleles (0.51%); highest among the groups gnomAD compares: Middle Eastern, 2.8%; 43 homozygotes.

Submissions (8):

Labcorp Genetics (formerly Invitae), Labcorp
Classification: Benign. Last evaluated: 2026-01-24. Review status: criteria provided, single submitter. Criteria: Invitae Variant Classification Sherloc (09022015). Collection method: clinical testing. Allele origin: germline.

CeGaT Center for Human Genetics Tuebingen
Classification: Likely benign. Last evaluated: 2025-02-01. Review status: criteria provided, single submitter. Criteria: CeGaT Center For Human Genetics Tuebingen Variant Classification Criteria Version 2. Collection method: clinical testing. Allele origin: germline. Affected: yes. Observed: 3 variant alleles.
Comment: TRIOBP: BP4, BS2

GeneDx
Classification: Benign. Last evaluated: 2019-06-20. Review status: criteria provided, single submitter. Criteria: GeneDx Variant Classification Process June 2021. Collection method: clinical testing. Allele origin: germline. Affected: yes.

Athena Diagnostics
Classification: Benign. Last evaluated: 2018-07-31. Review status: criteria provided, single submitter. Criteria: Athena Diagnostics Criteria. Collection method: clinical testing. Allele origin: germline.

PreventionGenetics, part of Exact Sciences
Classification: Likely benign. Last evaluated: 2016-03-01. Review status: criteria provided, single submitter. Criteria: ACMG Guidelines, 2015. Collection method: clinical testing. Allele origin: germline.

Eurofins Ntd Llc (ga)
Classification: Likely benign. Last evaluated: 2015-03-31. Review status: criteria provided, single submitter. Criteria: EGL Classification Definitions 2015. Collection method: clinical testing. Allele origin: germline. Observed: 1 variant allele, 1 heterozygote.

Laboratory for Molecular Medicine, Mass General Brigham Personalized Medicine
Classification: Benign. Last evaluated: 2012-04-30. Review status: criteria provided, single submitter. Criteria: LMM Criteria. Collection method: clinical testing. Allele origin: germline. Observed: 25 variant alleles.
Comment: Gly131Ser in Exon 05 of TRIOBP: This variant is not expected to have clinical si gnificance because it has been identified in 0.7% (47/6930) of European American chromosomes from a broad population by the NHLBI Exome Sequencing Project (dbSNP rs144634857).

Breakthrough Genomics
Classification: Likely benign. Review status: criteria provided, single submitter. Criteria: ACMG Guidelines, 2015. Collection method: not provided. Allele origin: germline. Inheritance: Autosomal recessive inheritance. Affected: yes.